The following is an entry in ClinVar:

NM_001378030.1(CCDC78):c.842T>A (p.Ile281Asn)

Gene: CCDC78 (coiled-coil domain containing 78; minus strand). Cytogenetic location: 16p13.3.
Variant type: single nucleotide variant.
Coding change: c.842T>A on transcript NM_001378030.1 (MANE Select); coding-DNA position 842, T replaced by A.
Protein change: p.Ile281Asn; replaces isoleucine 281 with asparagine.
Molecular consequence: missense variant. On other transcripts: non-coding transcript variant (5).
Genome position (GRCh38, 1-based): chr16:724,433, A>T on the plus strand (T>A on the coding strand, the complement: CCDC78 is on the minus strand). VCF-style: chr16-724433-A-T. GRCh37 (hg19) VCF-style: chr16-774433-A-T.
Other names: c.842T>A, p.Ile281Asn (NM_001031737.3, NM_001378031.1); c.275T>A, p.Ile92Asn (NM_001378033.1); short protein forms I281N, I92N.
Identifiers: ClinVar variation 568027 (VCV000568027.7), dbSNP rs1037631909, ClinGen allele CA276519842.

ClinVar aggregate classification (germline): Uncertain significance (1 of 4 stars; one submission).

Conditions:
Congenital myopathy with internal nuclei and atypical cores. Also called: Myopathy, centronuclear, 4. Identifiers: Orphanet 319160, MedGen C4707232, MONDO:0013890, OMIM 614807.

Allele frequency attached by ClinVar (database versions not stated): gnomAD exomes below 0.00001 and 0.00001; gnomAD 0.00002; TOPMed 0.00002.

Submission:

Labcorp Genetics (formerly Invitae), Labcorp
Classification: Uncertain significance for Congenital myopathy with internal nuclei and atypical cores. Last evaluated: 2022-07-12. Review status: criteria provided, single submitter. Criteria: Invitae Variant Classification Sherloc (09022015). Collection method: clinical testing. Allele origin: germline.
Comment: Algorithms developed to predict the effect of missense changes on protein structure and function are either unavailable or do not agree on the potential impact of this missense change (SIFT: "Deleterious"; PolyPhen-2: "Probably Damaging"; Align-GVGD: "Class C0"). In summary, the available evidence is currently insufficient to determine the role of this variant in disease. Therefore, it has been classified as a Variant of Uncertain Significance. ClinVar contains an entry for this variant (Variation ID: 568027). This variant has not been reported in the literature in individuals affected with CCDC78-related conditions. This variant is not present in population databases (gnomAD no frequency). This sequence change replaces isoleucine, which is neutral and non-polar, with asparagine, which is neutral and polar, at codon 281 of the CCDC78 protein (p.Ile281Asn).